The following is an entry in ClinVar:

ClinVar aggregate classification (germline): Likely benign. Review status: criteria provided, multiple submitters, no conflicts (2 of 4 stars). 2 submissions from 2 submitters: Likely benign (2). Last evaluated 2025-05-01.

Conditions:
Congenital myasthenic syndrome 14. Also called: Myasthenic syndrome, congenital, 14, with tubular aggregates. Identifiers: Orphanet 353327, Orphanet 590, MedGen C4015597, MONDO:0014543, OMIM 616228.
Congenital disorder of glycosylation, type Ii. Also called: ALG2-CDG; CDG Ii; ALG2-congenital disorder of glycosylation. Identifiers: Orphanet 79326, MedGen C1842836, MONDO:0011933, OMIM 607906.

Allele frequency attached by ClinVar (database versions not stated): TOPMed below 0.00001; gnomAD exomes 0.00002; ESP Exome Variant Server 0.00008; gnomAD 0.00001; ExAC 0.00003.
gnomAD v4.1: 36 of 1,587,782 alleles (0.0023%); highest among the groups gnomAD compares: Non-Finnish European, 0.0028%; no homozygotes.

Submissions (2):

CeGaT Center for Human Genetics Tuebingen
Classification: Likely benign. Last evaluated: 2025-05-01. Review status: criteria provided, single submitter. Criteria: CeGaT Center For Human Genetics Tuebingen Variant Classification Criteria Version 2. Collection method: clinical testing. Allele origin: germline. Affected: yes. Observed: 1 variant allele.
Comment: ALG2: BP4, BP7

Labcorp Genetics (formerly Invitae), Labcorp
Classification: Likely benign for Congenital disorder of glycosylation, type Ii; Congenital myasthenic syndrome 14. Last evaluated: 2023-08-30. Review status: criteria provided, single submitter. Criteria: Invitae Variant Classification Sherloc (09022015). Collection method: clinical testing. Allele origin: germline.

NM_033087.4(ALG2):c.192C>T (p.Arg64=)

Gene: ALG2 (ALG2 alpha-1,3/1,6-mannosyltransferase; minus strand). Cytogenetic location: 9q22.33.
Variant type: single nucleotide variant.
Coding change: c.192C>T on transcript NM_033087.4 (MANE Select); coding-DNA position 192, C replaced by T.
Protein change: p.Arg64=; no amino-acid change (arginine 64 retained).
Molecular consequence: synonymous variant. On other transcripts: non-coding transcript variant (1).
Genome position (GRCh38, 1-based): chr9:99,221,703, G>A on the plus strand (C>T on the coding strand, the complement: ALG2 is on the minus strand). VCF-style: chr9-99221703-G-A. GRCh37 (hg19) VCF-style: chr9-101983985-G-A.
Identifiers: ClinVar variation 1009380 (VCV001009380.16), dbSNP rs367616427, ClinGen allele CA5156452.